The following is an entry in ClinVar:

ClinVar aggregate classification (germline): Uncertain significance (1 of 4 stars; one submission).

Conditions:
Werner syndrome (WRN). Identifiers: Orphanet 902, MedGen C0043119, MONDO:0010196, OMIM 277700.

Submission:

Labcorp Genetics (formerly Invitae), Labcorp
Classification: Uncertain significance for Werner syndrome. Last evaluated: 2025-12-10. Review status: criteria provided, single submitter. Criteria: Invitae Variant Classification Sherloc (09022015). Collection method: clinical testing. Allele origin: germline.
Comment: This sequence change replaces lysine, which is basic and polar, with glutamic acid, which is acidic and polar, at codon 274 of the WRN protein (p.Lys274Glu). This variant is not present in population databases (gnomAD no frequency). This variant has not been reported in the literature in individuals affected with WRN-related conditions. ClinVar contains an entry for this variant (Variation ID: 1499892). An algorithm developed to predict the effect of missense changes on protein structure and function (PolyPhen-2) suggests that this variant is likely to be tolerated. In summary, the available evidence is currently insufficient to determine the role of this variant in disease. Therefore, it has been classified as a Variant of Uncertain Significance.

NM_000553.6(WRN):c.820A>G (p.Lys274Glu)

Gene: WRN (WRN RecQ like helicase; plus strand). Cytogenetic location: 8p12.
Variant type: single nucleotide variant.
Coding change: c.820A>G on transcript NM_000553.6 (MANE Select); coding-DNA position 820, A replaced by G.
Protein change: p.Lys274Glu; replaces lysine 274 with glutamic acid.
Molecular consequence: missense variant.
Genome position (GRCh38, 1-based): chr8:31,076,268, A>G. VCF-style: chr8-31076268-A-G. GRCh37 (hg19) VCF-style: chr8-30933784-A-G.
Other names: short protein forms K274E.
Identifiers: ClinVar variation 1499892 (VCV001499892.6), dbSNP rs2130095226, ClinGen allele CA370918676.